The following is an entry in ClinVar:

ClinVar aggregate classification (germline): Likely benign. Review status: criteria provided, multiple submitters, no conflicts (2 of 4 stars). 3 submissions from 3 submitters: Likely benign (3). Last evaluated 2025-12-26.

Allele frequency attached by ClinVar (database versions not stated): gnomAD 0.00001 and 0.00009; TOPMed 0.00001; gnomAD exomes 0.00008 and 0.00018; ExAC 0.00021; 1000 Genomes Project 30x 0.00062; 1000 Genomes Project 0.00080.
gnomAD v4.1: 136 of 1,605,650 alleles (0.0085%); highest among the groups gnomAD compares: South Asian, 0.14%; 1 homozygote.

Submissions (3):

Labcorp Genetics (formerly Invitae), Labcorp
Classification: Likely benign. Last evaluated: 2025-12-26. Review status: criteria provided, single submitter. Criteria: Invitae Variant Classification Sherloc (09022015). Collection method: clinical testing. Allele origin: germline.

CeGaT Center for Human Genetics Tuebingen
Classification: Likely benign. Last evaluated: 2025-11-01. Review status: criteria provided, single submitter. Criteria: CeGaT Center For Human Genetics Tuebingen Variant Classification Criteria Version 2. Collection method: clinical testing. Allele origin: germline. Affected: yes. Observed: 1 variant allele.
Comment: CAD: BP4, BP7

Blueprint Genetics
Classification: Likely benign. Last evaluated: 2023-09-21. Review status: criteria provided, single submitter. Criteria: ACMG Guidelines, 2015. Collection method: clinical testing. Allele origin: germline.

NM_004341.5(CAD):c.6459C>T (p.Gly2153=)

Genes: CAD (carbamoyl-phosphate synthetase 2, aspartate transcarbamylase, and dihydroorotase; plus strand), LOC126806172 (CDK7 strongly-dependent group 2 enhancer GRCh37_chr2:27465505-27466704; plus strand). Cytogenetic location: 2p23.3.
Variant type: single nucleotide variant.
Coding change: c.6459C>T on transcript NM_004341.5 (MANE Select); coding-DNA position 6459, C replaced by T.
Protein change: p.Gly2153=; no amino-acid change (glycine 2153 retained).
Molecular consequence: synonymous variant.
Genome position (GRCh38, 1-based): chr2:27,242,952, C>T. VCF-style: chr2-27242952-C-T. GRCh37 (hg19) VCF-style: chr2-27465820-C-T.
Other names: c.6270C>T, p.Gly2090= (NM_001306079.2).
Identifiers: ClinVar variation 731958 (VCV000731958.15), dbSNP rs564385686, ClinGen allele CA1574212.